The following is an entry in ClinVar:

NM_001267550.2(TTN):c.41166C>T (p.Asp13722=)

Gene: TTN (titin; minus strand). Cytogenetic location: 2q31.2.
Variant type: single nucleotide variant.
Coding change: c.41166C>T on transcript NM_001267550.2 (MANE Select); coding-DNA position 41166, C replaced by T.
Protein change: p.Asp13722=; no amino-acid change (aspartic acid 13722 retained).
Molecular consequence: synonymous variant.
Genome position (GRCh38, 1-based): chr2:178,636,561, G>A on the plus strand (C>T on the coding strand, the complement: TTN is on the minus strand). VCF-style: chr2-178636561-G-A. GRCh37 (hg19) VCF-style: chr2-179501288-G-A.
Other names: p.Asp12081=; c.36243C>T, p.Asp12081= (NM_001256850.1); c.33462C>T, p.Asp11154= (NM_133378.4); c.13971C>T, p.Asp4657= (NM_003319.4); c.14346C>T, p.Asp4782= (NM_133432.3); c.14547C>T, p.Asp4849= (NM_133437.4).
Identifiers: ClinVar variation 167787 (VCV000167787.33), dbSNP rs143049740, ClinGen allele CA181820.

ClinVar aggregate classification (germline): Conflicting classifications of pathogenicity. Review status: criteria provided, conflicting classifications (1 of 4 stars). 17 submissions from 13 submitters: Uncertain significance (3); Benign (7); Likely benign (5). 2 of the submissions do not count toward it. Last evaluated 2026-02-03.

Conditions:
Cardiovascular phenotype. Identifiers: MedGen CN230736.
Dilated cardiomyopathy 1G (CMD1G). Identifiers: Orphanet 154, MedGen C1858763, MONDO:0011400, OMIM 604145.
Autosomal recessive limb-girdle muscular dystrophy type 2J (LGMDR10). Also called: Limb-girdle muscular dystrophy, type 2J; MUSCULAR DYSTROPHY, LIMB-GIRDLE, AUTOSOMAL RECESSIVE 10. Identifiers: Orphanet 140922, MedGen C1837342, MONDO:0012127, OMIM 608807.
Early-onset myopathy with fatal cardiomyopathy (CMYO5). Also called: Salih Myopathy; CONGENITAL MYOPATHY 5 WITH CARDIOMYOPATHY. Identifiers: Orphanet 289377, MedGen C2673677, MONDO:0012714, OMIM 611705. Disease mechanism: loss of function.
Myopathy, myofibrillar, 9, with early respiratory failure (MFM9). Also called: MYOPATHY, PROXIMAL, WITH EARLY RESPIRATORY MUSCLE INVOLVEMENT; Hereditary myopathy with early respiratory failure; Myopathy, distal, with early respiratory failure, autosomal dominant; EDSTROM MYOPATHY. Identifiers: Orphanet 34521, MedGen C1863599, MONDO:0011362, OMIM 603689, Orphanet 178464.
Tibial muscular dystrophy (TMD). Also called: Udd Distal Myopathy – Tibial Muscular Dystrophy; UDD MYOPATHY; Tibial muscular dystrophy, tardive. Identifiers: Orphanet 609, MedGen C1838244, MONDO:0010870, OMIM 600334.

Allele frequency attached by ClinVar (database versions not stated): gnomAD exomes 0.00009 and 0.00023; ExAC 0.00022; ESP Exome Variant Server 0.00058; 1000 Genomes Project 30x 0.00062; 1000 Genomes Project 0.00080; TOPMed 0.00096; gnomAD 0.00097 and 0.00107.

Submissions (17):

Labcorp Genetics (formerly Invitae), Labcorp
Classification: Benign for Dilated cardiomyopathy 1G; Autosomal recessive limb-girdle muscular dystrophy type 2J. Last evaluated: 2026-02-03. Review status: criteria provided, single submitter. Criteria: Invitae Variant Classification Sherloc (09022015). Collection method: clinical testing. Allele origin: germline.

Mayo Clinic Laboratories, Mayo Clinic
Classification: Likely benign. Last evaluated: 2025-10-21. Review status: criteria provided, single submitter. Criteria: ACMG Guidelines, 2015. Collection method: clinical testing. Allele origin: germline. Observed: 4 variant alleles.
Comment: BS1, BP4, BP7

Molecular Diagnostic Laboratory for Inherited Cardiovascular Disease, Montreal Heart Institute
Classification: Benign. Last evaluated: 2025-04-09. Review status: criteria provided, single submitter. Criteria: ACMG Guidelines, 2015. Collection method: clinical testing. Allele origin: germline. Affected: no.

Blueprint Genetics
Classification: Likely benign. Last evaluated: 2024-08-28. Review status: criteria provided, single submitter. Criteria: ACMG Guidelines, 2015. Collection method: clinical testing. Allele origin: germline.

ARUP Laboratories, Molecular Genetics and Genomics, ARUP Laboratories
Classification: Benign. Last evaluated: 2023-09-28. Review status: criteria provided, single submitter. Criteria: ARUP Molecular Germline Variant Investigation Process 2024. Collection method: clinical testing. Allele origin: germline.

Women's Health and Genetics/Laboratory Corporation of America, LabCorp
Classification: Benign. Last evaluated: 2019-10-30. Review status: criteria provided, single submitter. Criteria: LabCorp Variant Classification Summary - May 2015. Collection method: clinical testing. Allele origin: germline.
Comment: Variant summary: TTN c.33462C>T alters a non-conserved nucleotide resulting in a synonymous change. 5/5 computational tools predict no significant impact on normal splicing. However, these predictions have yet to be confirmed by functional studies. The variant allele was found at a frequency of 0.00023 in 248322 control chromosomes, predominantly at a frequency of 0.0021 within the African or African-American subpopulation in the gnomAD database. The observed variant frequency within African or African-American control individuals in the gnomAD database is approximately 3.36 fold of the estimated maximal expected allele frequency for a pathogenic variant in TTN causing Cardiomyopathy phenotype (0.00063), strongly suggesting that the variant is a benign polymorphism found primarily in populations of African or African-American origin. To our knowledge, no occurrence of c.33462C>T in individuals affected with Cardiomyopathy and no experimental evidence demonstrating its impact on protein function have been reported. Three clinical diagnostic laboratories have submitted clinical-significance assessments for this variant to ClinVar after 2014 without evidence for independent evaluation. All laboratories classified the variant as benign/likely benign. Based on the evidence outlined above, the variant was classified as benign.

Ambry Genetics
Classification: Likely benign for Cardiovascular phenotype. Last evaluated: 2018-10-04. Review status: criteria provided, single submitter. Criteria: Ambry Variant Classification Scheme 2023. Collection method: clinical testing. Allele origin: germline.

Illumina Laboratory Services, Illumina
Classification: Uncertain significance for Autosomal recessive limb-girdle muscular dystrophy type 2J. Last evaluated: 2018-01-12. Review status: criteria provided, single submitter. Criteria: ICSL Variant Classification Criteria 13 December 2019. Collection method: clinical testing. Allele origin: germline.

Illumina Laboratory Services, Illumina
Classification: Benign for Tibial muscular dystrophy. Last evaluated: 2018-01-12. Review status: criteria provided, single submitter. Criteria: ICSL Variant Classification Criteria 13 December 2019. Collection method: clinical testing. Allele origin: germline.
Comment: This variant was observed in the ICSL laboratory as part of a predisposition screen in an ostensibly healthy population. It had not been previously curated by ICSL or reported in the Human Gene Mutation Database (HGMD: prior to June 1st, 2018), and was therefore a candidate for classification through an automated scoring system. Utilizing variant allele frequency, disease prevalence and penetrance estimates, and inheritance mode, an automated score was calculated to assess if this variant is too frequent to cause the disease. Based on the score and internal cut-off values, a variant classified as benign is not then subjected to further curation. The score for this variant resulted in a classification of benign for this disease.

Illumina Laboratory Services, Illumina
Classification: Uncertain significance for Dilated cardiomyopathy 1G. Last evaluated: 2018-01-12. Review status: criteria provided, single submitter. Criteria: ICSL Variant Classification Criteria 13 December 2019. Collection method: clinical testing. Allele origin: germline.

Illumina Laboratory Services, Illumina
Classification: Uncertain significance for Early-onset myopathy with fatal cardiomyopathy. Last evaluated: 2018-01-12. Review status: criteria provided, single submitter. Criteria: ICSL Variant Classification Criteria 13 December 2019. Collection method: clinical testing. Allele origin: germline.

Illumina Laboratory Services, Illumina
Classification: Benign for Myopathy, myofibrillar, 9, with early respiratory failure. Last evaluated: 2018-01-12. Review status: criteria provided, single submitter. Criteria: ICSL Variant Classification Criteria 13 December 2019. Collection method: clinical testing. Allele origin: germline.
Comment: the same text as in the submission from Illumina Laboratory Services, Illumina above.

Eurofins Ntd Llc (ga)
Classification: Likely benign. Last evaluated: 2017-08-17. Review status: criteria provided, single submitter. Criteria: EGL Classification Definitions 2015. Collection method: clinical testing. Allele origin: germline. Observed: 4 variant alleles, 4 heterozygotes.

Laboratory for Molecular Medicine, Mass General Brigham Personalized Medicine
Classification: Likely benign. Last evaluated: 2017-01-23. Review status: criteria provided, single submitter. Criteria: LMM Criteria. Collection method: clinical testing. Allele origin: germline. Observed: 2 variant alleles.
Comment: p.Asp11154Asp in exon 174 of TTN: This variant is not expected to have clinical significance because it does not alter an amino acid residue, is not located wit hin the splice consensus sequence. It has been identified in 0.2% (22/9794) of A frican chromosomes by the Exome Aggregation Consortium (ExAC; dbSNP rs143049740).

GeneDx
Classification: Benign. Last evaluated: 2015-08-13. Review status: criteria provided, single submitter. Criteria: GeneDx Variant Classification (06012015). Collection method: clinical testing. Allele origin: germline. Affected: yes.
Comment: This variant is considered likely benign or benign based on one or more of the following criteria: it is a conservative change, it occurs at a poorly conserved position in the protein, it is predicted to be benign by multiple in silico algorithms, and/or has population frequency not consistent with disease.

Clinical Genetics DNA and cytogenetics Diagnostics Lab, Erasmus MC, Erasmus Medical Center
Classification: Likely benign. Review status: no assertion criteria provided. Collection method: clinical testing. Allele origin: germline. Affected: yes. Study: VKGL Data-share Consensus. Not counted in ClinVar's aggregate classification.

Clinical Genetics, Academic Medical Center
Classification: Benign. Review status: no assertion criteria provided. Collection method: clinical testing. Allele origin: germline. Affected: yes. Study: VKGL Data-share Consensus. Not counted in ClinVar's aggregate classification.